The following is an entry in ClinVar:

NM_001370658.1(BTD):c.-16-8407C>T

Gene: BTD (biotinidase; plus strand). Cytogenetic location: 3p25.1.
Variant type: single nucleotide variant.
Coding change: c.-16-8407C>T on transcript NM_001370658.1 (MANE Select); 8407 bases into the intron before 16 bases upstream of the start codon, C replaced by T.
Molecular consequence: intron variant. On other transcripts: 5 prime UTR variant (6).
Genome position (GRCh38, 1-based): chr3:15,627,017, C>T. VCF-style: chr3-15627017-C-T. GRCh37 (hg19) VCF-style: chr3-15668524-C-T.
Other names: c.-24C>T (NM_001281723.4, NM_001407379.1, NM_001407399.1 and 1 more transcripts); c.-143C>T (NM_001407392.1); c.-419C>T (NM_001407396.1); c.-16-8407C>T (NM_001407365.1, NM_001370752.1, NM_001370753.1 and 11 more transcripts); c.-407-2989C>T (NM_001407366.1); c.-393-3003C>T (NM_001407369.1, NM_001407378.1, NM_001407368.1); c.-204-2985C>T (NM_001281724.3); c.-135-2985C>T (NM_001407373.1, NM_001407394.1); and 5 more.
Identifiers: ClinVar variation 2635730 (VCV002635730.1), dbSNP rs2471374374, ClinGen allele CA2695197748.

ClinVar aggregate classification (germline): Uncertain significance (1 of 4 stars; one submission).

Conditions:
BTD-related disorder. Also called: BTD-related condition.

Submission:

PreventionGenetics, part of Exact Sciences
Classification: Uncertain significance for BTD-related condition. Last evaluated: 2023-09-15. Review status: criteria provided, single submitter. Criteria: ACMG Guidelines, 2015. Collection method: clinical testing. Allele origin: germline.
Comment: The BTD c.43C>T variant is predicted to result in premature protein termination (p.Gln15*). To our knowledge, this variant has not been reported in the literature. This variant is reported in 0.046% of alleles in individuals of European (Non-Finnish) descent in gnomAD. Of note, this variant affects the 5' UTR of the gene when annotated with the canonical transcript. At this time, the clinical significance of this variant is uncertain due to the absence of conclusive functional and genetic evidence.